The following is an entry in ClinVar:

NM_001001671.4(MAP3K15):c.2790C>T (p.Val930=)

Gene: MAP3K15 (mitogen-activated protein kinase kinase kinase 15; minus strand). Cytogenetic location: Xp22.12.
Variant type: single nucleotide variant.
Coding change: c.2790C>T on transcript NM_001001671.4 (MANE Select); coding-DNA position 2790, C replaced by T.
Protein change: p.Val930=; no amino-acid change (valine 930 retained).
Molecular consequence: synonymous variant.
Genome position (GRCh38, 1-based): chrX:19,373,679, G>A on the plus strand (C>T on the coding strand, the complement: MAP3K15 is on the minus strand). VCF-style: chrX-19373679-G-A. GRCh37 (hg19) VCF-style: chrX-19391797-G-A.
Identifiers: ClinVar variation 3048709 (VCV003048709.2), dbSNP rs139451743, ClinGen allele CA10363654.

ClinVar aggregate classification (germline): Likely benign (0 of 4 stars; one submission).

Conditions:
MAP3K15-related disorder. Also called: MAP3K15-related condition.

Allele frequency attached by ClinVar (database versions not stated): gnomAD 0.00017; ESP Exome Variant Server 0.00019; TOPMed 0.00031.
gnomAD v4.1: 134 of 1,197,834 alleles (0.011%); highest among the groups gnomAD compares: African/African-American, 0.028%; no homozygotes.

Submission:

PreventionGenetics, part of Exact Sciences
Classification: Likely benign for MAP3K15-related condition. Last evaluated: 2019-02-28. Review status: no assertion criteria provided. Collection method: clinical testing. Allele origin: germline.
Comment: This variant is classified as likely benign based on ACMG/AMP sequence variant interpretation guidelines (Richards et al. 2015 PMID: 25741868, with internal and published modifications).